The following is an entry in ClinVar:

NM_000059.4(BRCA2):c.5331G>A (p.Lys1777=)

Gene: BRCA2 (BRCA2 DNA repair associated; plus strand). Cytogenetic location: 13q13.1.
Variant type: single nucleotide variant.
Coding change: c.5331G>A on transcript NM_000059.4 (MANE Select); coding-DNA position 5331, G replaced by A.
Protein change: p.Lys1777=; no amino-acid change (lysine 1777 retained).
Molecular consequence: synonymous variant. On other transcripts: non-coding transcript variant (1), intron variant (2).
Genome position (GRCh38, 1-based): chr13:32,339,686, G>A. VCF-style: chr13-32339686-G-A. GRCh37 (hg19) VCF-style: chr13-32913823-G-A.
Other names: c.5331G>A, p.Lys1777= (NM_001406719.1, NM_001406720.1); c.1910-4872G>A (NM_001406721.1); c.425-4872G>A (NM_001406722.1).
Identifiers: ClinVar variation 1746885 (VCV001746885.3), dbSNP rs2137516424, ClinGen allele CA483438616.
Genomic context (GRCh38, chr13:32,339,686, plus strand): 5'-TAATGATTCAGGATATCTCTCAAAAAATAAACTTGATTCTGGTATTGAGCCAGTATTGAA[G>A]AATGTTGAAGATCAAAAAAACACTAGTTTTTCCAAAGTAATATCCAATGTAAAAGATGCA-3'
Protein context (NP_000050.3, residues 1767-1787): KLDSGIEPVL[Lys1777=]NVEDQKNTSF

ClinVar aggregate classification (germline): Likely benign. Review status: criteria provided, multiple submitters, no conflicts (2 of 4 stars). 2 submissions from 2 submitters: Likely benign (2). Last evaluated 2023-12-13.

Conditions:
Breast-ovarian cancer, familial, susceptibility to, 2 (BROVCA2). Also called: BRCA2 Hereditary Breast and Ovarian Cancer. Identifiers: Orphanet 145, MedGen C2675520, MONDO:0012933, OMIM 612555. Disease mechanism: loss of function.
Hereditary cancer-predisposing syndrome. Also called: Neoplastic Syndromes, Hereditary; Tumor predisposition; Hereditary Cancer Syndrome; Hereditary neoplastic syndrome. Identifiers: Orphanet 140162, MedGen C0027672, MeSH D009386, MONDO:0015356.

Allele frequency attached by ClinVar (database versions not stated): gnomAD exomes below 0.00001.
gnomAD v4.1: 1 of 1,612,576 alleles (0.000062%); highest among the groups gnomAD compares: Non-Finnish European, 0.000085%; no homozygotes.

Submissions (2):

All of Us Research Program, National Institutes of Health
Classification: Likely benign for Breast-ovarian cancer, familial, susceptibility to, 2. Last evaluated: 2023-12-13. Review status: criteria provided, single submitter. Criteria: ACMG Guidelines, 2015. Collection method: clinical testing. Allele origin: germline. Inheritance: Autosomal dominant inheritance. Observed: 1 variant allele, 1 heterozygote.
Comment: This study involves interpretation of variants in research participants for the purpose of population health screening. Participant phenotype was not available at the time of variant classification. Additional details can be found in publication PMID: 35346344, PMCID: PMC8962531

Ambry Genetics
Classification: Likely benign for Hereditary cancer-predisposing syndrome. Last evaluated: 2020-11-21. Review status: criteria provided, single submitter. Criteria: Ambry Variant Classification Scheme 2023. Collection method: clinical testing. Allele origin: germline.